The following is an entry in ClinVar:

NM_001130438.3(SPTAN1):c.2428A>G (p.Thr810Ala)

Gene: SPTAN1 (spectrin alpha, non-erythrocytic 1; plus strand). Cytogenetic location: 9q34.11.
Variant type: single nucleotide variant.
Coding change: c.2428A>G on transcript NM_001130438.3 (MANE Select); coding-DNA position 2428, A replaced by G.
Protein change: p.Thr810Ala; replaces threonine 810 with alanine.
Molecular consequence: missense variant.
Genome position (GRCh38, 1-based): chr9:128,584,516, A>G. VCF-style: chr9-128584516-A-G. GRCh37 (hg19) VCF-style: chr9-131346795-A-G.
Other names: c.2428A>G, p.Thr810Ala (NM_001195532.2, NM_001363759.2, NM_001363765.2 and 5 more transcripts); c.2464A>G, p.Thr822Ala (NM_001375312.2, NM_001375318.1); c.2428A>G (NM_001130438.2); short protein forms T810A, T822A.
Identifiers: ClinVar variation 2091776 (VCV002091776.9), dbSNP rs1447170470, ClinGen allele CA375057714.

ClinVar aggregate classification (germline): Uncertain significance. Review status: criteria provided, multiple submitters, no conflicts (2 of 4 stars). 3 submissions from 3 submitters: Uncertain significance (3). Last evaluated 2026-02-01.

Conditions:
Early-infantile DEE. Also called: Early infantile epileptic encephalopathy; Ohtahara syndrome; Early infantile epileptic encephalopathy with suppression bursts. Identifiers: Orphanet 1934, MedGen C0393706, MONDO:0800491.

Allele frequency attached by ClinVar (database versions not stated): gnomAD 0.00001; TOPMed 0.00001.
gnomAD v4.1: 1 of 1,614,036 alleles (0.000062%); highest among the groups gnomAD compares: African/African-American, 0.0013%; no homozygotes.

Submissions (3):

CeGaT Center for Human Genetics Tuebingen
Classification: Uncertain significance. Last evaluated: 2026-02-01. Review status: criteria provided, single submitter. Criteria: CeGaT Center For Human Genetics Tuebingen Variant Classification Criteria Version 2. Collection method: clinical testing. Allele origin: germline. Affected: yes. Observed: 1 variant allele.
Comment: SPTAN1: PM2

GeneDx
Classification: Uncertain significance. Last evaluated: 2025-08-02. Review status: criteria provided, single submitter. Criteria: GeneDx Variant Classification Process June 2021. Collection method: clinical testing. Allele origin: germline. Affected: yes.
Comment: Not observed at significant frequency in large population cohorts (gnomAD); In silico analysis supports that this missense variant has a deleterious effect on protein structure/function; Has not been previously published as pathogenic or benign to our knowledge

Labcorp Genetics (formerly Invitae), Labcorp
Classification: Uncertain significance for Early-infantile DEE. Last evaluated: 2023-10-29. Review status: criteria provided, single submitter. Criteria: Invitae Variant Classification Sherloc (09022015). Collection method: clinical testing. Allele origin: germline.
Comment: This sequence change replaces threonine, which is neutral and polar, with alanine, which is neutral and non-polar, at codon 810 of the SPTAN1 protein (p.Thr810Ala). This variant is not present in population databases (gnomAD no frequency). This variant has not been reported in the literature in individuals affected with SPTAN1-related conditions. ClinVar contains an entry for this variant (Variation ID: 2091776). Advanced modeling of protein sequence and biophysical properties (such as structural, functional, and spatial information, amino acid conservation, physicochemical variation, residue mobility, and thermodynamic stability) has been performed at Invitae for this missense variant, however the output from this modeling did not meet the statistical confidence thresholds required to predict the impact of this variant on SPTAN1 protein function. In summary, the available evidence is currently insufficient to determine the role of this variant in disease. Therefore, it has been classified as a Variant of Uncertain Significance.